The following is an entry in ClinVar:

ClinVar aggregate classification (germline): Uncertain significance (1 of 4 stars; one submission).

Conditions:
Early-infantile DEE. Also called: Early infantile epileptic encephalopathy with suppression bursts; Early infantile epileptic encephalopathy; Ohtahara syndrome. Identifiers: Orphanet 1934, MedGen C0393706, MONDO:0800491.

Submission:

Labcorp Genetics (formerly Invitae), Labcorp
Classification: Uncertain significance for Early-infantile DEE. Last evaluated: 2022-09-27. Review status: criteria provided, single submitter. Criteria: Invitae Variant Classification Sherloc (09022015). Collection method: clinical testing. Allele origin: germline.
Comment: This sequence change replaces phenylalanine, which is neutral and non-polar, with leucine, which is neutral and non-polar, at codon 590 of the SCN1A protein (p.Phe590Leu). This variant is not present in population databases (gnomAD no frequency). This variant has not been reported in the literature in individuals affected with SCN1A-related conditions. Advanced modeling of protein sequence and biophysical properties (such as structural, functional, and spatial information, amino acid conservation, physicochemical variation, residue mobility, and thermodynamic stability) has been performed at Invitae for this missense variant, however the output from this modeling did not meet the statistical confidence thresholds required to predict the impact of this variant on SCN1A protein function. In summary, the available evidence is currently insufficient to determine the role of this variant in disease. Therefore, it has been classified as a Variant of Uncertain Significance.

NM_001165963.4(SCN1A):c.1770C>A (p.Phe590Leu)

Gene: SCN1A (sodium voltage-gated channel alpha subunit 1; minus strand). Cytogenetic location: 2q24.3.
Variant type: single nucleotide variant.
Coding change: c.1770C>A on transcript NM_001165963.4 (MANE Select); coding-DNA position 1770, C replaced by A.
Protein change: p.Phe590Leu; replaces phenylalanine 590 with leucine.
Molecular consequence: missense variant. On other transcripts: non-coding transcript variant (1), 5 prime UTR variant (1).
Genome position (GRCh38, 1-based): chr2:166,043,942, G>T on the plus strand (C>A on the coding strand, the complement: SCN1A is on the minus strand). VCF-style: chr2-166043942-G-T. GRCh37 (hg19) VCF-style: chr2-166900452-G-T.
Other names: c.1770C>A, p.Phe590Leu (NM_001165964.3, NM_001202435.3, NM_001353948.2 and 7 more transcripts); c.1767C>A, p.Phe589Leu (NM_001353954.2, NM_001353955.2, NM_001353960.2); c.-656C>A (NM_001353961.2); short protein forms F589L, F590L.
Identifiers: ClinVar variation 1720454 (VCV001720454.5), dbSNP rs146520391, ClinGen allele CA349067759.